The following is an entry in ClinVar:

NM_182931.3(KMT2E):c.3699T>A (p.Asn1233Lys)

Gene: KMT2E (lysine methyltransferase 2E (inactive); plus strand). Cytogenetic location: 7q22.3.
Variant type: single nucleotide variant.
Coding change: c.3699T>A on transcript NM_182931.3 (MANE Select); coding-DNA position 3699, T replaced by A.
Protein change: p.Asn1233Lys; replaces asparagine 1233 with lysine.
Molecular consequence: missense variant.
Genome position (GRCh38, 1-based): chr7:105,109,172, T>A. VCF-style: chr7-105109172-T-A. GRCh37 (hg19) VCF-style: chr7-104749619-T-A.
Other names: c.3699T>A (NM_182931.2); c.3699T>A, p.Asn1233Lys (NM_001410908.1, NM_018682.4); short protein forms N1233K.
Identifiers: ClinVar variation 1972780 (VCV001972780.8), dbSNP rs757136403, ClinGen allele CA4424542.

ClinVar aggregate classification (germline): Uncertain significance. Review status: criteria provided, multiple submitters, no conflicts (2 of 4 stars). 2 submissions from 2 submitters: Uncertain significance (2). Last evaluated 2025-04-15.

Conditions:
Inborn genetic diseases. Identifiers: MedGen C0950123, MeSH D030342.

Allele frequency attached by ClinVar (database versions not stated): gnomAD exomes 0.00001; ExAC 0.00005.
gnomAD v4.1: 10 of 1,614,134 alleles (0.00062%); highest among the groups gnomAD compares: East Asian, 0.018%; no homozygotes.

Submissions (2):

Ambry Genetics
Classification: Uncertain significance for Inborn genetic diseases. Last evaluated: 2025-04-15. Review status: criteria provided, single submitter. Criteria: Ambry Variant Classification Scheme 2023. Collection method: clinical testing. Allele origin: germline.

Labcorp Genetics (formerly Invitae), Labcorp
Classification: Uncertain significance. Last evaluated: 2022-09-22. Review status: criteria provided, single submitter. Criteria: Invitae Variant Classification Sherloc (09022015). Collection method: clinical testing. Allele origin: germline.
Comment: In summary, the available evidence is currently insufficient to determine the role of this variant in disease. Therefore, it has been classified as a Variant of Uncertain Significance. Advanced modeling of protein sequence and biophysical properties (such as structural, functional, and spatial information, amino acid conservation, physicochemical variation, residue mobility, and thermodynamic stability) performed at Invitae indicates that this missense variant is not expected to disrupt KMT2E protein function. This variant has not been reported in the literature in individuals affected with KMT2E-related conditions. This variant is present in population databases (rs757136403, gnomAD 0.03%). This sequence change replaces asparagine, which is neutral and polar, with lysine, which is basic and polar, at codon 1233 of the KMT2E protein (p.Asn1233Lys).